The following is an entry in ClinVar:

NM_025103.4(IFT74):c.281A>T (p.Lys94Ile)

Gene: IFT74 (intraflagellar transport 74; plus strand). Cytogenetic location: 9p21.2.
Variant type: single nucleotide variant.
Coding change: c.281A>T on transcript NM_025103.4 (MANE Select); coding-DNA position 281, A replaced by T.
Protein change: p.Lys94Ile; replaces lysine 94 with isoleucine.
Molecular consequence: missense variant.
Genome position (GRCh38, 1-based): chr9:26,980,595, A>T. VCF-style: chr9-26980595-A-T. GRCh37 (hg19) VCF-style: chr9-26980593-A-T.
Other names: c.281A>T, p.Lys94Ile (NM_001099222.3, NM_001099223.3, NM_001099224.3 and 1 more transcripts); short protein forms K94I.
Identifiers: ClinVar variation 2790756 (VCV002790756.3), dbSNP rs2489317554, ClinGen allele CA373124863.

ClinVar aggregate classification (germline): Uncertain significance (1 of 4 stars; one submission).

Allele frequency attached by ClinVar (database versions not stated): gnomAD exomes 0.00001.
gnomAD v4.1: 9 of 1,606,834 alleles (0.00056%); highest among the groups gnomAD compares: Non-Finnish European, 0.00077%; no homozygotes.

Submission:

Labcorp Genetics (formerly Invitae), Labcorp
Classification: Uncertain significance. Last evaluated: 2023-09-20. Review status: criteria provided, single submitter. Criteria: Invitae Variant Classification Sherloc (09022015). Collection method: clinical testing. Allele origin: germline.
Comment: This variant is not present in population databases (gnomAD no frequency). This sequence change replaces lysine, which is basic and polar, with isoleucine, which is neutral and non-polar, at codon 94 of the IFT74 protein (p.Lys94Ile). In summary, the available evidence is currently insufficient to determine the role of this variant in disease. Therefore, it has been classified as a Variant of Uncertain Significance. An algorithm developed to predict the effect of missense changes on protein structure and function (PolyPhen-2) suggests that this variant is likely to be disruptive. This variant has not been reported in the literature in individuals affected with IFT74-related conditions.